The following is an entry in ClinVar:

NM_004655.4(AXIN2):c.1712+13C>T

Gene: AXIN2 (axin 2; minus strand). Cytogenetic location: 17q24.1.
Variant type: single nucleotide variant.
Coding change: c.1712+13C>T on transcript NM_004655.4 (MANE Select); 13 bases into the intron after coding-DNA position 1712, C replaced by T.
Molecular consequence: intron variant.
Genome position (GRCh38, 1-based): chr17:65,537,311, G>A on the plus strand (C>T on the coding strand, the complement: AXIN2 is on the minus strand). VCF-style: chr17-65537311-G-A. GRCh37 (hg19) VCF-style: chr17-63533429-G-A.
Other names: c.1712+13C>T (LRG_296t1, NM_001363813.1).
Identifiers: ClinVar variation 516420 (VCV000516420.8), dbSNP rs778440284, ClinGen allele CA627152078.

ClinVar aggregate classification (germline): Likely benign. Review status: criteria provided, multiple submitters, no conflicts (2 of 4 stars). 2 submissions from 2 submitters: Likely benign (2). Last evaluated 2025-10-25.

Conditions:
Oligodontia-cancer predisposition syndrome. Also called: TOOTH AGENESIS-COLORECTAL CANCER SYNDROME. Identifiers: Orphanet 300576, MedGen C1837750, MONDO:0012075, OMIM 608615. Disease mechanism: loss of function.

Allele frequency attached by ClinVar (database versions not stated): gnomAD 0.00001; TOPMed 0.00001.
gnomAD v4.1: 20 of 1,613,638 alleles (0.0012%); highest among the groups gnomAD compares: Non-Finnish European, 0.0016%; no homozygotes.

Submissions (2):

Labcorp Genetics (formerly Invitae), Labcorp
Classification: Likely benign for Oligodontia-cancer predisposition syndrome. Last evaluated: 2025-10-25. Review status: criteria provided, single submitter. Criteria: Invitae Variant Classification Sherloc (09022015). Collection method: clinical testing. Allele origin: germline.

GeneDx
Classification: Likely benign. Last evaluated: 2017-06-29. Review status: criteria provided, single submitter. Criteria: GeneDx Variant Classification (06012015). Collection method: clinical testing. Allele origin: germline. Affected: yes.
Comment: This variant is considered likely benign or benign based on one or more of the following criteria: it is a conservative change, it occurs at a poorly conserved position in the protein, it is predicted to be benign by multiple in silico algorithms, and/or has population frequency not consistent with disease.